The following is an entry in ClinVar:

ClinVar aggregate classification (germline): Uncertain significance (1 of 4 stars; one submission).

Conditions:
Hereditary cancer-predisposing syndrome. Also called: Neoplastic Syndromes, Hereditary; Tumor predisposition; Hereditary Cancer Syndrome; Hereditary neoplastic syndrome. Identifiers: Orphanet 140162, MedGen C0027672, MeSH D009386, MONDO:0015356.

Submission:

Ambry Genetics
Classification: Uncertain significance for Hereditary cancer-predisposing syndrome. Last evaluated: 2026-05-05. Review status: criteria provided, single submitter. Criteria: Ambry Variant Classification Scheme 2023. Collection method: clinical testing. Allele origin: germline.
Comment: The p.V1833G variant (also known as c.5498T>G), located in coding exon 24 of the DICER1 gene, results from a T to G substitution at nucleotide position 5498. The valine at codon 1833 is replaced by glycine, an amino acid with dissimilar properties. This amino acid position is highly conserved in available vertebrate species. In addition, this alteration is predicted to be deleterious by in silico analysis. Based on the available evidence, the clinical significance of this variant remains unclear.

NM_177438.3(DICER1):c.5498T>G (p.Val1833Gly)

Gene: DICER1 (dicer 1, ribonuclease III; minus strand). Cytogenetic location: 14q32.13.
Variant type: single nucleotide variant.
Coding change: c.5498T>G on transcript NM_177438.3 (MANE Select); coding-DNA position 5498, T replaced by G.
Protein change: p.Val1833Gly; replaces valine 1833 with glycine.
Molecular consequence: missense variant. On other transcripts: non-coding transcript variant (6), intron variant (1).
Genome position (GRCh38, 1-based): chr14:95,091,232, A>C on the plus strand (T>G on the coding strand, the complement: DICER1 is on the minus strand). VCF-style: chr14-95091232-A-C. GRCh37 (hg19) VCF-style: chr14-95557569-A-C.
Other names: c.5498T>G, p.Val1833Gly (NM_001271282.3, NM_001291628.2, NM_001395677.1 and 7 more transcripts); c.5216T>G, p.Val1739Gly (NM_001395686.1); c.5093T>G, p.Val1698Gly (NM_001395687.1, NM_001395688.1, NM_001395689.1 and 1 more transcripts); c.4931T>G, p.Val1644Gly (NM_001395691.1); c.3815T>G, p.Val1272Gly (NM_001395697.1); c.5365-123T>G (NM_001195573.1); short protein forms V1272G, V1644G, V1698G, V1739G, V1833G.
Identifiers: ClinVar variation 4869778 (VCV004869778.1).
Genomic context (GRCh38, chr14:95,091,232, plus strand): 5'-TTTTTTTCTTTCTAAAGGGAGCCAACAATACCTATTAGTGGCCGCATCATGGGATAGTAC[A>C]CCTGCCAGACTGTCTCCAGTGACATCCCACTATCCATGTAAATGGCACCAGCAAGCGACT-3'
Protein context (NP_803187.1, residues 1823-1843): SGMSLETVWQ[Val1833Gly]YYPMMRPLIE